The following is an entry in ClinVar:

ClinVar aggregate classification (germline): Uncertain significance. Review status: criteria provided, multiple submitters, no conflicts (2 of 4 stars). 2 submissions from 2 submitters: Uncertain significance (2). Last evaluated 2025-02-18.

gnomAD v4.1: 3 of 1,608,014 alleles (0.00019%); highest among the groups gnomAD compares: African/African-American, 0.0027%; no homozygotes.

Submissions (2):

GeneDx
Classification: Uncertain significance. Last evaluated: 2025-02-18. Review status: criteria provided, single submitter. Criteria: GeneDx Variant Classification Process June 2021. Collection method: clinical testing. Allele origin: germline. Affected: yes.
Comment: Not observed at significant frequency in large population cohorts (gnomAD); In silico analysis supports that this missense variant has a deleterious effect on protein structure/function; Has not been previously published as pathogenic or benign to our knowledge

Labcorp Genetics (formerly Invitae), Labcorp
Classification: Uncertain significance. Last evaluated: 2024-06-02. Review status: criteria provided, single submitter. Criteria: Invitae Variant Classification Sherloc (09022015). Collection method: clinical testing. Allele origin: germline.
Comment: This sequence change replaces glutamine, which is neutral and polar, with glutamic acid, which is acidic and polar, at codon 821 of the SCN3A protein (p.Gln821Glu). This variant is present in population databases (rs367827161, gnomAD 0.007%). This variant has not been reported in the literature in individuals affected with SCN3A-related conditions. Advanced modeling of protein sequence and biophysical properties (such as structural, functional, and spatial information, amino acid conservation, physicochemical variation, residue mobility, and thermodynamic stability) has been performed at Invitae for this missense variant, however the output from this modeling did not meet the statistical confidence thresholds required to predict the impact of this variant on SCN3A protein function. In summary, the available evidence is currently insufficient to determine the role of this variant in disease. Therefore, it has been classified as a Variant of Uncertain Significance.

NM_006922.4(SCN3A):c.2461C>G (p.Gln821Glu)

Gene: SCN3A (sodium voltage-gated channel alpha subunit 3; minus strand). Cytogenetic location: 2q24.3.
Variant type: single nucleotide variant.
Coding change: c.2461C>G on transcript NM_006922.4 (MANE Select); coding-DNA position 2461, C replaced by G.
Protein change: p.Gln821Glu; replaces glutamine 821 with glutamic acid.
Molecular consequence: missense variant.
Genome position (GRCh38, 1-based): chr2:165,131,348, G>C on the plus strand (C>G on the coding strand, the complement: SCN3A is on the minus strand). VCF-style: chr2-165131348-G-C. GRCh37 (hg19) VCF-style: chr2-165987858-G-C.
Other names: c.2461C>G (NM_006922.3); c.2314C>G, p.Gln772Glu (NM_001081676.2, NM_001081677.2); short protein forms Q772E, Q821E.
Identifiers: ClinVar variation 3715533 (VCV003715533.3).
Genomic context (GRCh38, chr2:165,131,348, plus strand): 5'-GACCAAGCTCCATTAAACTGAGGCTGACAATAATTCCATCAAAGATATTCCAGCCTTCTT[G>C]GAAATAGTAATAAGGATCCATGGCAATGATCTTGAGAACCATTTCTGCTGTGAAAATCCC-3'
Protein context (NP_008853.3, residues 811-831): IIAMDPYYYF[Gln821Glu]EGWNIFDGII